The following is an entry in ClinVar:

NM_000018.4(ACADVL):c.1360G>A (p.Asp454Asn)

Gene: ACADVL (acyl-CoA dehydrogenase very long chain; plus strand). Cytogenetic location: 17p13.1.
Variant type: single nucleotide variant.
Coding change: c.1360G>A on transcript NM_000018.4 (MANE Select); coding-DNA position 1360, G replaced by A.
Protein change: p.Asp454Asn; replaces aspartic acid 454 with asparagine.
Molecular consequence: missense variant.
Genome position (GRCh38, 1-based): chr17:7,223,995, G>A. VCF-style: chr17-7223995-G-A. GRCh37 (hg19) VCF-style: chr17-7127314-G-A.
Other names: c.1294G>A, p.Asp432Asn (NM_001033859.3); c.1429G>A, p.Asp477Asn (NM_001270447.2); c.1132G>A, p.Asp378Asn (NM_001270448.2); c.1360G>A (NM_000018.2); short protein forms D454N, D432N, D477N, D378N.
Identifiers: ClinVar variation 552697 (VCV000552697.17), dbSNP rs1419606204, ClinGen allele CA397724952.

ClinVar aggregate classification (germline): Conflicting classifications of pathogenicity. Review status: criteria provided, conflicting classifications (1 of 4 stars). 6 submissions from 6 submitters: Pathogenic (1); Likely pathogenic (1); Uncertain significance (2). 2 of the submissions do not count toward it. Last evaluated 2025-10-23.

Conditions:
Very long chain acyl-CoA dehydrogenase deficiency (ACADVLD). Also called: VLCAD Deficiency; Very Long-Chain Acyl-Coenzyme A Dehydrogenase Deficiency. Identifiers: Orphanet 26793, MedGen C3887523, MONDO:0008723, OMIM 201475.

Allele frequency attached by ClinVar (database versions not stated): gnomAD 0.00001; gnomAD exomes 0.00001 and below 0.00001.
gnomAD v4.1: 26 of 1,614,024 alleles (0.0016%); highest among the groups gnomAD compares: Non-Finnish European, 0.0018%; no homozygotes.

Submissions (6):

Labcorp Genetics (formerly Invitae), Labcorp
Classification: Uncertain significance for Very long chain acyl-CoA dehydrogenase deficiency. Last evaluated: 2025-10-23. Review status: criteria provided, single submitter. Criteria: Invitae Variant Classification Sherloc (09022015). Collection method: clinical testing. Allele origin: germline.
Comment: This sequence change replaces aspartic acid, which is acidic and polar, with asparagine, which is neutral and polar, at codon 454 of the ACADVL protein (p.Asp454Asn). This variant is present in population databases (no rsID available, gnomAD 0.0009%). This missense change has been observed in individual(s) with very long chain acyl-CoA dehydrogenase deficiency (PMID: 9973285). This variant is also known as p.D414N. ClinVar contains an entry for this variant (Variation ID: 552697). Invitae Evidence Modeling of protein sequence and biophysical properties (such as structural, functional, and spatial information, amino acid conservation, physicochemical variation, residue mobility, and thermodynamic stability) has been performed for this missense variant. However, the output from this modeling did not meet the statistical confidence thresholds required to predict the impact of this variant on ACADVL protein function. In summary, the available evidence is currently insufficient to determine the role of this variant in disease. Therefore, it has been classified as a Variant of Uncertain Significance.

Myriad Genetics, Inc.
Classification: Uncertain significance for Very long chain acyl-CoA dehydrogenase deficiency. Last evaluated: 2025-09-03. Review status: criteria provided, single submitter. Criteria: Myriad Autosomal Dominant, Autosomal Recessive and X-Linked Classification Criteria (2023). Collection method: clinical testing. Allele origin: unknown.
Comment: NM_000018.3(ACADVL):c.1360G>A(D454N) is a missense variant classified as a variant of uncertain significance in the context of very-long-chain acyl-CoA dehydrogenase deficiency. D454N has been observed in a case with relevant disease (PMID: 25085675). Relevant functional assessments of this variant are not available in the literature. D454N has been observed in referenced population frequency databases. In summary, there is insufficient evidence to classify NM_000018.3(ACADVL):c.1360G>A(D454N) as pathogenic or benign. Please note: this variant was assessed in the context of healthy population screening.

GeneDx
Classification: Likely pathogenic. Last evaluated: 2025-01-22. Review status: criteria provided, single submitter. Criteria: GeneDx Variant Classification Process June 2021. Collection method: clinical testing. Allele origin: germline. Affected: yes.
Comment: Not observed at significant frequency in large population cohorts (gnomAD); In silico analysis supports that this missense variant has a deleterious effect on protein structure/function; Also known as p.(D414N); This variant is associated with the following publications: (PMID: 30194637, 9973285)

Wong Mito Lab, Molecular and Human Genetics, Baylor College of Medicine
Classification: Pathogenic for Very long chain acyl-CoA dehydrogenase deficiency. Last evaluated: 2019-11-01. Review status: criteria provided, single submitter. Criteria: ACMG Guidelines, 2015. Collection method: clinical testing. Allele origin: germline.
Comment: The NM_000018.3:c.1360G>A (NP_000009.1:p.Asp454Asn) [GRCH38: NC_000017.11:g.7223995G>A] variant in ACADVL gene is interpretated to be Pathogenic based on ACMG guidelines (PMID: 25741868). This variant has been reported in PMID: 9973285. This variant meets the following evidence codes reported in the ACMG guidelines: PS1, PS3

Natera, Inc.
Classification: Uncertain significance for Very long chain acyl-CoA dehydrogenase deficiency. Last evaluated: 2021-08-05. Review status: no assertion criteria provided. Collection method: clinical testing. Allele origin: germline. Not counted in ClinVar's aggregate classification.

Counsyl
Classification: Uncertain significance for Very long chain acyl-CoA dehydrogenase deficiency. Last evaluated: 2017-08-07. Review status: no assertion criteria provided. Collection method: clinical testing. Allele origin: unknown. Not counted in ClinVar's aggregate classification.

Literature cited by the submitters: PubMed 9973285 (cited by 3 submitters); PubMed 25085675 (cited by Myriad Genetics, Inc.); PubMed 26385305 (cited by Counsyl).